The following is an entry in ClinVar:

NM_004960.4(FUS):c.1451A>G (p.Tyr484Cys)

Gene: FUS (FUS RNA binding protein; plus strand). Cytogenetic location: 16p11.2.
Variant type: single nucleotide variant.
Coding change: c.1451A>G on transcript NM_004960.4 (MANE Select); coding-DNA position 1451, A replaced by G.
Protein change: p.Tyr484Cys; replaces tyrosine 484 with cysteine.
Molecular consequence: missense variant. On other transcripts: non-coding transcript variant (1).
Genome position (GRCh38, 1-based): chr16:31,191,020, A>G. VCF-style: chr16-31191020-A-G. GRCh37 (hg19) VCF-style: chr16-31202341-A-G.
Other names: c.1448A>G, p.Tyr483Cys (NM_001170634.1); c.1439A>G, p.Tyr480Cys (NM_001170937.1); short protein forms Y484C, Y480C, Y483C.
Identifiers: ClinVar variation 2944109 (VCV002944109.3), dbSNP rs2544279098, ClinGen allele CA395675845.
Genomic context (GRCh38, chr16:31,191,020, plus strand): 5'-TAGGGGGTAACTACGGGGATGATCGTCGTGGTGGCAGAGGAGGCTATGATCGAGGCGGCT[A>G]CCGGGGCCGCGGCGGGGACCGTGGAGGCTTCCGAGGGGGCCGGGGTGGTGGGGACAGAGG-3'
Protein context (NP_004951.1, residues 474-494): GGRGGYDRGG[Tyr484Cys]RGRGGDRGGF

ClinVar aggregate classification (germline): Uncertain significance (1 of 4 stars; one submission).

Conditions:
Amyotrophic lateral sclerosis type 6. Also called: Amyotrophic lateral sclerosis 6, with or without frontotemporal dementia; FUS-Related Amyotrophic Laterial Sclerosis; AMYOTROPHIC LATERAL SCLEROSIS 6 WITHOUT FRONTOTEMPORAL DEMENTIA. Identifiers: Orphanet 275872, Orphanet 803, MedGen C2931786, MONDO:0011951, OMIM 608030.
Tremor, hereditary essential, 4 (ETM4). Identifiers: MedGen C3539195, MONDO:0013888, OMIM 614782.

Submission:

Labcorp Genetics (formerly Invitae), Labcorp
Classification: Uncertain significance for Tremor, hereditary essential, 4; Amyotrophic lateral sclerosis type 6. Last evaluated: 2023-02-09. Review status: criteria provided, single submitter. Criteria: Invitae Variant Classification Sherloc (09022015). Collection method: clinical testing. Allele origin: germline.
Comment: In summary, the available evidence is currently insufficient to determine the role of this variant in disease. Therefore, it has been classified as a Variant of Uncertain Significance. Algorithms developed to predict the effect of missense changes on protein structure and function (SIFT, PolyPhen-2, Align-GVGD) all suggest that this variant is likely to be disruptive. This variant has not been reported in the literature in individuals affected with FUS-related conditions. This variant is not present in population databases (gnomAD no frequency). This sequence change replaces tyrosine, which is neutral and polar, with cysteine, which is neutral and slightly polar, at codon 484 of the FUS protein (p.Tyr484Cys).